The following is an entry in ClinVar:

ClinVar aggregate classification (germline): Uncertain significance (1 of 4 stars; one submission).

Conditions:
Inborn genetic diseases. Identifiers: MedGen C0950123, MeSH D030342.

Submission:

Ambry Genetics
Classification: Uncertain significance for Inborn genetic diseases. Last evaluated: 2025-10-25. Review status: criteria provided, single submitter. Criteria: Ambry Variant Classification Scheme 2023. Collection method: clinical testing. Allele origin: germline.
Comment: The p.N265H variant (also known as c.793A>C), located in coding exon 1 of the SAMD9 gene, results from an A to C substitution at nucleotide position 793. The asparagine at codon 265 is replaced by histidine, an amino acid with similar properties. This amino acid position is conserved. In addition, this alteration is predicted to be tolerated by in silico analysis. Based on the available evidence, the clinical significance of this variant remains unclear.

NM_017654.4(SAMD9):c.793A>C (p.Asn265His)

Gene: SAMD9 (sterile alpha motif domain containing 9; minus strand). Cytogenetic location: 7q21.2.
Variant type: single nucleotide variant.
Coding change: c.793A>C on transcript NM_017654.4 (MANE Select); coding-DNA position 793, A replaced by C.
Protein change: p.Asn265His; replaces asparagine 265 with histidine.
Molecular consequence: missense variant.
Genome position (GRCh38, 1-based): chr7:93,105,305, T>G on the plus strand (A>C on the coding strand, the complement: SAMD9 is on the minus strand). VCF-style: chr7-93105305-T-G. GRCh37 (hg19) VCF-style: chr7-92734618-T-G.
Other names: c.793A>C, p.Asn265His (NM_001193307.2); short protein forms N265H.
Identifiers: ClinVar variation 4629896 (VCV004629896.1).